The following is an entry in ClinVar:

ClinVar aggregate classification (germline): Uncertain significance (1 of 4 stars; one submission).

Conditions:
Neuroblastoma, susceptibility to, 3. Also called: ALK-Related Neuroblastic Tumor Susceptibility. Identifiers: Orphanet 635, MedGen C2751681, MONDO:0013083, OMIM 613014.

Allele frequency attached by ClinVar (database versions not stated): gnomAD exomes below 0.00001.
gnomAD v4.1: 1 of 1,614,092 alleles (0.000062%); highest among the groups gnomAD compares: Middle Eastern, 0.017%; no homozygotes.

Submission:

Labcorp Genetics (formerly Invitae), Labcorp
Classification: Uncertain significance for Neuroblastoma, susceptibility to, 3. Last evaluated: 2016-08-26. Review status: criteria provided, single submitter. Criteria: Invitae Variant Classification Sherloc (09022015). Collection method: clinical testing. Allele origin: germline.
Comment: This sequence change replaces valine with leucine at codon 1130 of the ALK protein (p.Val1130Leu). The valine residue is highly conserved and there is a small physicochemical difference between valine and leucine. This variant is not present in population databases (ExAC no frequency) and has not been reported in the literature in individuals with a ALK-related disease. Algorithms developed to predict the effect of missense changes on protein structure and function (SIFT, PolyPhen-2, Align-GVGD) all suggest that this variant is likely to be disruptive, but these predictions have not been confirmed by published functional studies. In summary, this variant is a novel missense change with uncertain impact on protein function. It has been classified as a Variant of Uncertain Significance.

NM_004304.5(ALK):c.3388G>T (p.Val1130Leu)

Gene: ALK (ALK receptor tyrosine kinase; minus strand). Cytogenetic location: 2p23.2.
Variant type: single nucleotide variant.
Coding change: c.3388G>T on transcript NM_004304.5 (MANE Select); coding-DNA position 3388, G replaced by T.
Protein change: p.Val1130Leu; replaces valine 1130 with leucine.
Molecular consequence: missense variant.
Genome position (GRCh38, 1-based): chr2:29,222,579, C>A on the plus strand (G>T on the coding strand, the complement: ALK is on the minus strand). VCF-style: chr2-29222579-C-A. GRCh37 (hg19) VCF-style: chr2-29445445-C-A.
Other names: c.184G>T, p.Val62Leu (NM_001353765.2); short protein forms V1130L, V62L.
Identifiers: ClinVar variation 404339 (VCV000404339.9), dbSNP rs1060500215, ClinGen allele CA16610897.